The following is an entry in ClinVar:

NM_001384732.1(CPLANE1):c.7271T>C (p.Ile2424Thr)

Gene: CPLANE1 (ciliogenesis and planar polarity effector complex subunit 1; minus strand). Cytogenetic location: 5p13.2.
Variant type: single nucleotide variant.
Coding change: c.7271T>C on transcript NM_001384732.1 (MANE Select); coding-DNA position 7271, T replaced by C.
Protein change: p.Ile2424Thr; replaces isoleucine 2424 with threonine.
Molecular consequence: missense variant.
Genome position (GRCh38, 1-based): chr5:37,167,176, A>G on the plus strand (T>C on the coding strand, the complement: CPLANE1 is on the minus strand). VCF-style: chr5-37167176-A-G. GRCh37 (hg19) VCF-style: chr5-37167278-A-G.
Other names: c.7271T>C, p.Ile2424Thr (NM_023073.4); short protein forms I2424T.
Identifiers: ClinVar variation 1712817 (VCV001712817.5), dbSNP rs374629869, ClinGen allele CA3238101.

ClinVar aggregate classification (germline): Uncertain significance. Review status: criteria provided, multiple submitters, no conflicts (2 of 4 stars). 2 submissions from 2 submitters: Uncertain significance (2). Last evaluated 2023-02-18.

Allele frequency attached by ClinVar (database versions not stated): gnomAD exomes 0.00001; ExAC 0.00002; gnomAD 0.00007; ESP Exome Variant Server 0.00008; TOPMed 0.00008.
gnomAD v4.1: 24 of 1,613,228 alleles (0.0015%); highest among the groups gnomAD compares: African/African-American, 0.028%; no homozygotes.

Submissions (2):

Labcorp Genetics (formerly Invitae), Labcorp
Classification: Uncertain significance. Last evaluated: 2023-02-18. Review status: criteria provided, single submitter. Criteria: Invitae Variant Classification Sherloc (09022015). Collection method: clinical testing. Allele origin: germline.
Comment: This sequence change replaces isoleucine, which is neutral and non-polar, with threonine, which is neutral and polar, at codon 2424 of the CPLANE1 protein (p.Ile2424Thr). This variant is present in population databases (rs374629869, gnomAD 0.02%). This variant has not been reported in the literature in individuals affected with CPLANE1-related conditions. ClinVar contains an entry for this variant (Variation ID: 1712817). Advanced modeling of protein sequence and biophysical properties (such as structural, functional, and spatial information, amino acid conservation, physicochemical variation, residue mobility, and thermodynamic stability) performed at Invitae indicates that this missense variant is not expected to disrupt CPLANE1 protein function. In summary, the available evidence is currently insufficient to determine the role of this variant in disease. Therefore, it has been classified as a Variant of Uncertain Significance.

GeneDx
Classification: Uncertain significance. Last evaluated: 2022-04-26. Review status: criteria provided, single submitter. Criteria: GeneDx Variant Classification Process June 2021. Collection method: clinical testing. Allele origin: germline. Affected: yes.
Comment: In silico analysis supports that this missense variant does not alter protein structure/function; Has not been previously published as pathogenic or benign to our knowledge